The following is an entry in ClinVar:

NM_020822.3(KCNT1):c.2861C>T (p.Ser954Phe)

Gene: KCNT1 (potassium sodium-activated channel subfamily T member 1; plus strand). Cytogenetic location: 9q34.3.
Variant type: single nucleotide variant.
Coding change: c.2861C>T on transcript NM_020822.3 (MANE Select); coding-DNA position 2861, C replaced by T.
Protein change: p.Ser954Phe; replaces serine 954 with phenylalanine.
Molecular consequence: missense variant.
Genome position (GRCh38, 1-based): chr9:135,784,043, C>T. VCF-style: chr9-135784043-C-T. GRCh37 (hg19) VCF-style: chr9-138675889-C-T.
Other names: c.2726C>T, p.Ser909Phe (NM_001272003.2); short protein forms S909F, S954F.
Identifiers: ClinVar variation 2505785 (VCV002505785.1), dbSNP rs2491078182, ClinGen allele CA375517312.
Genomic context (GRCh38, chr9:135,784,043, plus strand): 5'-ACCTCGGCACCAGCCCATCTGAGGCCCCTCCTTTCCCACAGAGGGAGCGAGAGAATGGCT[C>T]CAACCTGGCCTTCATGTTCCGCCTGCCGTTCGCCGCCGGCCGCGTCTTCAGCATCAGCAT-3'
Protein context (NP_065873.2, residues 944-964): KLEKRERENG[Ser954Phe]NLAFMFRLPF

ClinVar aggregate classification (germline): Uncertain significance (1 of 4 stars; one submission).

Submission:

GeneDx
Classification: Uncertain significance. Last evaluated: 2022-12-15. Review status: criteria provided, single submitter. Criteria: GeneDx Variant Classification Process June 2021. Collection method: clinical testing. Allele origin: germline. Affected: yes.
Comment: Not observed at significant frequency in large population cohorts (gnomAD); In silico analysis supports that this missense variant has a deleterious effect on protein structure/function; Has not been previously published as pathogenic or benign to our knowledge